The following is an entry in ClinVar:

NM_001166108.2(PALLD):c.1415T>C (p.Val472Ala)

Gene: PALLD (palladin, cytoskeletal associated protein; plus strand). Cytogenetic location: 4q32.3.
Variant type: single nucleotide variant.
Coding change: c.1415T>C on transcript NM_001166108.2 (MANE Select); coding-DNA position 1415, T replaced by C.
Protein change: p.Val472Ala; replaces valine 472 with alanine.
Molecular consequence: missense variant.
Genome position (GRCh38, 1-based): chr4:168,690,682, T>C. VCF-style: chr4-168690682-T-C. GRCh37 (hg19) VCF-style: chr4-169611833-T-C.
Other names: c.269T>C, p.Val90Ala (NM_001166109.2); c.1415T>C, p.Val472Ala (NM_016081.4); short protein forms V90A, V472A.
Identifiers: ClinVar variation 1772120 (VCV001772120.2), dbSNP rs2531651538, ClinGen allele CA358795757.
Genomic context (GRCh38, chr4:168,690,682, plus strand): 5'-TGGCGGAAGGCCAGGTGGTGGTTCTGGAGTGCCGGGTCCGTGGGGCACCCCCTCTGCAGG[T>C]CCAGTGGTTTCGGCAAGGGAGTGAAATCCAAGACTCTCCAGATTTCCGAATTCTACAGAA-3'
Protein context (NP_001159580.1, residues 462-482): CRVRGAPPLQ[Val472Ala]QWFRQGSEIQ

ClinVar aggregate classification (germline): Uncertain significance (1 of 4 stars; one submission).

Submission:

Ambry Genetics
Classification: Uncertain significance. Last evaluated: 2021-10-17. Review status: criteria provided, single submitter. Criteria: Ambry Variant Classification Scheme 2023. Collection method: clinical testing. Allele origin: germline.
Comment: The p.V472A variant (also known as c.1415T>C), located in coding exon 6 of the PALLD gene, results from a T to C substitution at nucleotide position 1415. The valine at codon 472 is replaced by alanine, an amino acid with similar properties. This amino acid position is conserved. In addition, this alteration is predicted to be deleterious by in silico analysis. Since supporting evidence is limited at this time, the clinical significance of this alteration remains unclear.